The following is an entry in ClinVar:

NM_000257.4(MYH7):c.2137A>G (p.Ile713Val)

Gene: MYH7 (myosin heavy chain 7; minus strand). Cytogenetic location: 14q11.2.
Variant type: single nucleotide variant.
Coding change: c.2137A>G on transcript NM_000257.4 (MANE Select); coding-DNA position 2137, A replaced by G.
Protein change: p.Ile713Val; replaces isoleucine 713 with valine.
Molecular consequence: missense variant.
Genome position (GRCh38, 1-based): chr14:23,425,989, T>C on the plus strand (A>G on the coding strand, the complement: MYH7 is on the minus strand). VCF-style: chr14-23425989-T-C. GRCh37 (hg19) VCF-style: chr14-23895198-T-C.
Other names: c.2137A>G (NM_000257.2); short protein forms I713V.
Identifiers: ClinVar variation 851259 (VCV000851259.19), dbSNP rs1339799654, ClinGen allele CA389049054.

ClinVar aggregate classification (germline): Conflicting classifications of pathogenicity. Review status: criteria provided, conflicting classifications (1 of 4 stars). 6 submissions from 6 submitters: Uncertain significance (5); Likely benign (1). Last evaluated 2025-07-08.

Conditions:
Cardiovascular phenotype. Identifiers: MedGen CN230736.
Cardiomyopathy (CMYO). Also called: Cardiomyopathies. Identifiers: Orphanet 167848, MedGen C0878544, MONDO:0004994, HP:0001638. Inheritance: Various modes of inheritance.
Hypertrophic cardiomyopathy. Also called: HYPERTROPHIC MYOCARDIOPATHY. Identifiers: Orphanet 217569, MedGen C0007194, MeSH D002312, MONDO:0005045, HP:0001639.
Hypertrophic cardiomyopathy 1 (CMH1). Also called: Familial hypertrophic cardiomyopathy 1; MYH7-Related Familial Hypertrophic Cardiomyopathy. Identifiers: MedGen C3495498, MONDO:0008647, OMIM 192600.
Myopathy, myosin storage, autosomal recessive (CMYO7B). Also called: CONGENITAL MYOPATHY 7B, MYOSIN STORAGE, AUTOSOMAL RECESSIVE. Identifiers: Orphanet 636970, MedGen C1850709, MONDO:0009708, OMIM 255160.
Congenital myopathy with fiber type disproportion. Also called: Congenital fiber-type disproportion myopathy; Congenital fiber-type disproportion. Identifiers: Orphanet 2020, MedGen C0546264, MONDO:0009711. Inheritance: all.
Dilated cardiomyopathy 1S (CMD1S). Identifiers: Orphanet 154, Orphanet 54260, MedGen C1834481, MONDO:0013262, OMIM 613426.
MYH7-related skeletal myopathy. Also called: Laing distal myopathy; Myopathy, distal, 1; MYOPATHY, DISTAL, EARLY-ONSET, AUTOSOMAL DOMINANT; MYOPATHY, LATE DISTAL HEREDITARY; Laing early-onset distal myopathy. Identifiers: Orphanet 59135, MedGen C4552004, MONDO:0008050, OMIM 160500.
Myosin storage myopathy (CMYO7A). Also called: MYOPATHY WITH LYSIS OF TYPE I MYOFIBRILS; SCAPULOPERONEAL MUSCULAR DYSTROPHY; SCAPULOPERONEAL SYNDROME, MYOPATHIC TYPE; MYH7-related late-onset scapuloperoneal muscular dystrophy; Congenital myopathy 7A, myosin storage, autosomal dominant; MYOPATHY, HYALINE BODY, AUTOSOMAL DOMINANT. Identifiers: Orphanet 437572, Orphanet 636965, MedGen C1842160, MONDO:0008409, OMIM 608358.

Allele frequency attached by ClinVar (database versions not stated): gnomAD exomes below 0.00001 and 0.00001; gnomAD 0.00001; TOPMed 0.00001.

Submissions (6):

Labcorp Genetics (formerly Invitae), Labcorp
Classification: Uncertain significance for Hypertrophic cardiomyopathy. Last evaluated: 2025-07-08. Review status: criteria provided, single submitter. Criteria: Invitae Variant Classification Sherloc (09022015). Collection method: clinical testing. Allele origin: germline.
Comment: This sequence change replaces isoleucine, which is neutral and non-polar, with valine, which is neutral and non-polar, at codon 713 of the MYH7 protein (p.Ile713Val). This variant is present in population databases (no rsID available, gnomAD 0.0009%). This variant has not been reported in the literature in individuals affected with MYH7-related conditions. ClinVar contains an entry for this variant (Variation ID: 851259). Invitae Evidence Modeling of protein sequence and biophysical properties (such as structural, functional, and spatial information, amino acid conservation, physicochemical variation, residue mobility, and thermodynamic stability) has been performed for this missense variant. However, the output from this modeling did not meet the statistical confidence thresholds required to predict the impact of this variant on MYH7 protein function. In summary, the available evidence is currently insufficient to determine the role of this variant in disease. Therefore, it has been classified as a Variant of Uncertain Significance.

Ambry Genetics
Classification: Uncertain significance for Cardiovascular phenotype. Last evaluated: 2025-04-28. Review status: criteria provided, single submitter. Criteria: Ambry Variant Classification Scheme 2023. Collection method: clinical testing. Allele origin: germline.
Comment: The p.I713V variant (also known as c.2137A>G), located in coding exon 17 of the MYH7 gene, results from an A to G substitution at nucleotide position 2137. The isoleucine at codon 713 is replaced by valine, an amino acid with highly similar properties. This alteration is located in the myosin head domain, which contains a statistically significant clustering of pathogenic missense variants (Homburger JR et al. Proc Natl Acad Sci U S A, 2016 06;113:6701-6; Walsh R et al. Genet Med, 2017 02;19:192-203; Ambry internal data). This amino acid position is highly conserved in available vertebrate species. In addition, this alteration is predicted to be tolerated by in silico analysis. Based on the available evidence, the clinical significance of this variant remains unclear.

Color Diagnostics, LLC DBA Color Health
Classification: Likely benign for Cardiomyopathy. Last evaluated: 2024-12-23. Review status: criteria provided, single submitter. Criteria: ACMG Guidelines, 2015. Collection method: clinical testing. Allele origin: germline.

GeneDx
Classification: Uncertain significance. Last evaluated: 2024-10-02. Review status: criteria provided, single submitter. Criteria: GeneDx Variant Classification Process June 2021. Collection method: clinical testing. Allele origin: germline. Affected: yes.
Comment: Has not been previously published as pathogenic or benign to our knowledge; Not observed at significant frequency in large population cohorts (gnomAD); In silico analysis indicates that this missense variant does not alter protein structure/function; This variant is associated with the following publications: (PMID: 27532257, 29300372)

All of Us Research Program, National Institutes of Health
Classification: Uncertain significance for Cardiomyopathy. Last evaluated: 2024-09-23. Review status: criteria provided, single submitter. Criteria: ACMG Guidelines, 2015. Collection method: clinical testing. Allele origin: germline. Inheritance: Autosomal dominant inheritance. Observed: 4 variant alleles, 4 heterozygotes.
Comment: This missense variant replaces isoleucine with valine at codon 713 of the MYH7 protein. Computational prediction suggests that this variant may not impact protein structure and function (internally defined REVEL score threshold <= 0.5, PMID: 27666373). To our knowledge, functional studies have not been reported for this variant. This variant has not been reported in individuals affected with cardiovascular disorders in the literature. This variant has been identified in 1/251460 chromosomes in the general population by the Genome Aggregation Database (gnomAD). The available evidence is insufficient to determine the role of this variant in disease conclusively. Therefore, this variant is classified as a Variant of Uncertain Significance.

This study involves interpretation of variants in research participants for the purpose of population health screening. Participant phenotype was not available at the time of variant classification. Additional details can be found in publication PMID: 35346344, PMCID: PMC8962531

Fulgent Genetics
Classification: Uncertain significance for MYH7-related skeletal myopathy; Myosin storage myopathy; Hypertrophic cardiomyopathy 1; Myopathy, myosin storage, autosomal recessive; Congenital myopathy 4A, autosomal dominant; Dilated cardiomyopathy 1S. Last evaluated: 2021-10-12. Review status: criteria provided, single submitter. Criteria: ACMG Guidelines, 2015. Collection method: clinical testing. Allele origin: unknown.